The following is an entry in ClinVar:

NM_014014.5(SNRNP200):c.5977C>T (p.Arg1993Trp)

Gene: SNRNP200 (small nuclear ribonucleoprotein U5 subunit 200; minus strand). Cytogenetic location: 2q11.2.
Variant type: single nucleotide variant.
Coding change: c.5977C>T on transcript NM_014014.5 (MANE Select); coding-DNA position 5977, C replaced by T.
Protein change: p.Arg1993Trp; replaces arginine 1993 with tryptophan.
Molecular consequence: missense variant.
Genome position (GRCh38, 1-based): chr2:96,277,196, G>A on the plus strand (C>T on the coding strand, the complement: SNRNP200 is on the minus strand). VCF-style: chr2-96277196-G-A. GRCh37 (hg19) VCF-style: chr2-96942934-G-A.
Other names: short protein forms R1993W.
Identifiers: ClinVar variation 4805017 (VCV004805017.1).

ClinVar aggregate classification (germline): Uncertain significance (1 of 4 stars; one submission).

gnomAD v4.1: 3 of 1,614,114 alleles (0.00019%); highest among the groups gnomAD compares: South Asian, 0.0011%; no homozygotes.

Submission:

Labcorp Genetics (formerly Invitae), Labcorp
Classification: Uncertain significance. Last evaluated: 2025-06-14. Review status: criteria provided, single submitter. Criteria: Invitae Variant Classification Sherloc (09022015). Collection method: clinical testing. Allele origin: germline.
Comment: This sequence change replaces arginine, which is basic and polar, with tryptophan, which is neutral and slightly polar, at codon 1993 of the SNRNP200 protein (p.Arg1993Trp). This variant is not present in population databases (gnomAD no frequency). This variant has not been reported in the literature in individuals affected with SNRNP200-related conditions. Invitae Evidence Modeling of protein sequence and biophysical properties (such as structural, functional, and spatial information, amino acid conservation, physicochemical variation, residue mobility, and thermodynamic stability) has been performed for this missense variant. However, the output from this modeling did not meet the statistical confidence thresholds required to predict the impact of this variant on SNRNP200 protein function. In summary, the available evidence is currently insufficient to determine the role of this variant in disease. Therefore, it has been classified as a Variant of Uncertain Significance.